The following is an entry in ClinVar:

ClinVar aggregate classification (germline): Uncertain significance. Review status: criteria provided, multiple submitters, no conflicts (2 of 4 stars). 4 submissions from 4 submitters: Uncertain significance (4). Last evaluated 2025-09-22.

Conditions:
Inborn genetic diseases. Identifiers: MedGen C0950123, MeSH D030342.
Brachydactyly type B1 (BDB1). Identifiers: Orphanet 572385, Orphanet 93383, MedGen C1862112, MONDO:0007220, OMIM 113000.
Autosomal recessive Robinow syndrome (RRS1). Also called: COSTOVERTEBRAL SEGMENTATION DEFECT WITH MESOMELIA; COVESDEM SYNDROME; ROR2-Related Robinow Syndrome; ROBINOW SYNDROME, AUTOSOMAL RECESSIVE 1. Identifiers: Orphanet 1507, Orphanet 97360, MedGen C5399974, MONDO:0009999, OMIM 268310.

Allele frequency attached by ClinVar (database versions not stated): gnomAD 0.00001; gnomAD exomes below 0.00001; TOPMed 0.00002.
gnomAD v4.1: 3 of 1,613,942 alleles (0.00019%); highest among the groups gnomAD compares: African/African-American, 0.0013%; no homozygotes.

Submissions (4):

Dasa
Classification: Uncertain significance. Last evaluated: 2025-09-22. Review status: criteria provided, single submitter. Criteria: DASA Assertion Criteria. Collection method: clinical testing. Allele origin: germline.
Comment: NM_004560.4(ROR2):c.1807A>G (p.Met603Val) is a missense variant that results in the substitution of methionine with valine. This variant is rare in population databases. Computational prediction algorithms are consistent with a deleterious effect. The currently available literature and clinical evidence are not sufficient to establish a definitive association between this variant and the reported condition. Therefore, this variant is classified as a variant of uncertain significance.

Labcorp Genetics (formerly Invitae), Labcorp
Classification: Uncertain significance. Last evaluated: 2024-12-20. Review status: criteria provided, single submitter. Criteria: Invitae Variant Classification Sherloc (09022015). Collection method: clinical testing. Allele origin: germline.
Comment: This sequence change replaces methionine, which is neutral and non-polar, with valine, which is neutral and non-polar, at codon 603 of the ROR2 protein (p.Met603Val). This variant is present in population databases (no rsID available, gnomAD 0.01%). This variant has not been reported in the literature in individuals affected with ROR2-related conditions. ClinVar contains an entry for this variant (Variation ID: 1908665). Invitae Evidence Modeling of protein sequence and biophysical properties (such as structural, functional, and spatial information, amino acid conservation, physicochemical variation, residue mobility, and thermodynamic stability) indicates that this missense variant is expected to disrupt ROR2 protein function with a positive predictive value of 80%. In summary, the available evidence is currently insufficient to determine the role of this variant in disease. Therefore, it has been classified as a Variant of Uncertain Significance.

Fulgent Genetics
Classification: Uncertain significance for Brachydactyly type B1; Autosomal recessive Robinow syndrome. Last evaluated: 2024-06-13. Review status: criteria provided, single submitter. Criteria: ACMG Guidelines, 2015. Collection method: clinical testing. Allele origin: germline.

Ambry Genetics
Classification: Uncertain significance for Inborn genetic diseases. Last evaluated: 2024-01-23. Review status: criteria provided, single submitter. Criteria: Ambry Variant Classification Scheme 2023. Collection method: clinical testing. Allele origin: germline.

NM_004560.4(ROR2):c.1807A>G (p.Met603Val)

Gene: ROR2 (ROR family WNT receptor 2; minus strand). Cytogenetic location: 9q22.31.
Variant type: single nucleotide variant.
Coding change: c.1807A>G on transcript NM_004560.4 (MANE Select); coding-DNA position 1807, A replaced by G.
Protein change: p.Met603Val; replaces methionine 603 with valine.
Molecular consequence: missense variant.
Genome position (GRCh38, 1-based): chr9:91,724,687, T>C on the plus strand (A>G on the coding strand, the complement: ROR2 is on the minus strand). VCF-style: chr9-91724687-T-C. GRCh37 (hg19) VCF-style: chr9-94486969-T-C.
Other names: c.1807A>G (NM_004560.3); short protein forms M603V.
Identifiers: ClinVar variation 1908665 (VCV001908665.9), dbSNP rs1015455693, ClinGen allele CA195323331.